The following is an entry in ClinVar:

ClinVar aggregate classification (germline): Benign/Likely benign. Review status: criteria provided, multiple submitters, no conflicts (2 of 4 stars). 11 submissions from 11 submitters: Benign (7); Likely benign (1). 3 of the submissions do not count toward it. Last evaluated 2026-02-04.

Conditions:
Cardiovascular phenotype. Identifiers: MedGen CN230736.
Brittle cornea syndrome 1 (BCS1). Also called: CORNEAL FRAGILITY, KERATOGLOBUS, BLUE SCLERAE, JOINT HYPEREXTENSIBILITY; EDS6B; FRAGILITAS OCULI WITH JOINT HYPEREXTENSIBILITY; DYSGENESIS MESODERMALIS CORNEAE ET SCLERAE; Corneal fragility keratoglobus, blue sclerae AND joint hypermobility. Identifiers: Orphanet 90354, MedGen C0268344, MONDO:0024543, OMIM 229200.

Allele frequency attached by ClinVar (database versions not stated): TOPMed 0.99601; gnomAD 0.99603 and 0.99634; 1000 Genomes Project 30x 0.99625; gnomAD exomes 0.99924 and 0.99966; ExAC 0.99955; 1000 Genomes Project 0.99161.
gnomAD v4.1: 1,548,456 of 1,549,506 alleles (100%); highest among the groups gnomAD compares: Non-Finnish European, 100%; 773,711 homozygotes.

Submissions (11):

Labcorp Genetics (formerly Invitae), Labcorp
Classification: Benign. Last evaluated: 2026-02-04. Review status: criteria provided, single submitter. Criteria: Invitae Variant Classification Sherloc (09022015). Collection method: clinical testing. Allele origin: germline.

Women's Health and Genetics/Laboratory Corporation of America, LabCorp
Classification: Benign. Last evaluated: 2025-10-13. Review status: criteria provided, single submitter. Criteria: LabCorp Variant Classification Summary - May 2015. Collection method: clinical testing. Allele origin: germline.

Mayo Clinic Laboratories, Mayo Clinic
Classification: Benign. Last evaluated: 2025-02-21. Review status: criteria provided, single submitter. Criteria: ACMG Guidelines, 2015. Collection method: clinical testing. Allele origin: germline. Observed: 3,092 variant alleles.

Blueprint Genetics
Classification: Likely benign. Last evaluated: 2024-11-27. Review status: criteria provided, single submitter. Criteria: ACMG Guidelines, 2015. Collection method: clinical testing. Allele origin: germline.

Genome-Nilou Lab
Classification: Benign for Brittle cornea syndrome 1. Last evaluated: 2021-12-05. Review status: criteria provided, single submitter. Criteria: ACMG Guidelines, 2015. Collection method: clinical testing. Allele origin: germline. Affected: no.

Ambry Genetics
Classification: Benign for Cardiovascular phenotype. Last evaluated: 2018-12-11. Review status: criteria provided, single submitter. Criteria: Ambry Variant Classification Scheme 2023. Collection method: clinical testing. Allele origin: germline.

GeneDx
Classification: Benign. Last evaluated: 2016-09-29. Review status: criteria provided, single submitter. Criteria: GeneDx Variant Classification (06012015). Collection method: clinical testing. Allele origin: germline. Affected: yes.
Comment: This variant is considered likely benign or benign based on one or more of the following criteria: it is a conservative change, it occurs at a poorly conserved position in the protein, it is predicted to be benign by multiple in silico algorithms, and/or has population frequency not consistent with disease.

Breakthrough Genomics
Classification: Benign. Review status: criteria provided, single submitter. Criteria: ACMG Guidelines, 2015. Collection method: not provided. Allele origin: germline. Inheritance: Autosomal recessive inheritance. Affected: yes.

Genome Diagnostics Laboratory, Amsterdam University Medical Center
Classification: Benign for Brittle cornea syndrome 1. Last evaluated: 2016-01-15. Review status: no assertion criteria provided. Criteria: ACGS Guidelines, 2013. Collection method: clinical testing. Allele origin: germline. Affected: yes. Study: VKGL Data-share Consensus. Not counted in ClinVar's aggregate classification.

Diagnostic Laboratory, Department of Genetics, University Medical Center Groningen
Classification: Benign for Brittle cornea syndrome 1. Review status: no assertion criteria provided. Collection method: clinical testing. Allele origin: germline. Affected: yes. Study: VKGL Data-share Consensus. Not counted in ClinVar's aggregate classification.

Joint Genome Diagnostic Labs from Nijmegen and Maastricht, Radboudumc and MUMC+
Classification: Benign. Review status: no assertion criteria provided. Collection method: clinical testing. Allele origin: germline. Affected: yes. Study: VKGL Data-share Consensus. Not counted in ClinVar's aggregate classification.

NM_001367624.2(ZNF469):c.1529G>C (p.Gly510Ala)

Gene: ZNF469 (zinc finger protein 469; plus strand). Cytogenetic location: 16q24.2.
Variant type: single nucleotide variant.
Coding change: c.1529G>C on transcript NM_001367624.2 (MANE Select); coding-DNA position 1529, G replaced by C.
Protein change: p.Gly510Ala; replaces glycine 510 with alanine.
Molecular consequence: missense variant.
Genome position (GRCh38, 1-based): chr16:88,428,999, G>C. VCF-style: chr16-88428999-G-C. GRCh37 (hg19) VCF-style: chr16-88495407-G-C.
Other names: NM_001127464.1:c.1529G>C; p.Gly510Ala; short protein forms G510A.
Identifiers: ClinVar variation 320866 (VCV000320866.23), dbSNP rs7199961, ClinGen allele CA8224685.
Genomic context (GRCh38, chr16:88,428,999, plus strand): 5'-CCGCCCGGCCAAGTCCCCACGGAATGGAGATGCTGAGCCGGCTGCCTTTCCCCGCGGGGG[G>C]CCCCGAGTGGCAGGGGGGCAGCCAAGGAGCCCTGGGCACTGCTGGCAAGACACCGGGACC-3'
Protein context (NP_001354553.1, residues 500-520): MLSRLPFPAG[Gly510Ala]PEWQGGSQGA